The following is an entry in ClinVar:

ClinVar aggregate classification (germline): Uncertain significance (1 of 4 stars; one submission).

Conditions:
Pseudohypoaldosteronism type 2C (PHA2C). Also called: Pseudohypoaldosteronism Type IIC. Identifiers: Orphanet 757, Orphanet 88940, MedGen C1840391, MONDO:0013778, OMIM 614492.
Neuropathy, hereditary sensory and autonomic, type 2A (HSAN2A). Also called: ACROOSTEOLYSIS, GIACCAI TYPE; ACROOSTEOLYSIS, NEUROGENIC; HSAN IIA; WNK1-Related HSAN2 (HSAN2A); MORVAN DISEASE; NEUROPATHY, CONGENITAL SENSORY. Identifiers: Orphanet 970, MedGen C2752089, MONDO:0024309, OMIM 201300.

Submission:

Labcorp Genetics (formerly Invitae), Labcorp
Classification: Uncertain significance for Neuropathy, hereditary sensory and autonomic, type 2A; Pseudohypoaldosteronism type 2C. Last evaluated: 2022-08-15. Review status: criteria provided, single submitter. Criteria: Invitae Variant Classification Sherloc (09022015). Collection method: clinical testing. Allele origin: germline.
Comment: This sequence change replaces cysteine, which is neutral and slightly polar, with tyrosine, which is neutral and polar, at codon 411 of the WNK1 protein (p.Cys411Tyr). In summary, the available evidence is currently insufficient to determine the role of this variant in disease. Therefore, it has been classified as a Variant of Uncertain Significance. Advanced modeling of protein sequence and biophysical properties (such as structural, functional, and spatial information, amino acid conservation, physicochemical variation, residue mobility, and thermodynamic stability) performed at Invitae indicates that this missense variant is expected to disrupt WNK1 protein function. ClinVar contains an entry for this variant (Variation ID: 658699). This variant has not been reported in the literature in individuals affected with WNK1-related conditions. This variant is not present in population databases (gnomAD no frequency).

NM_018979.4(WNK1):c.1232G>A (p.Cys411Tyr)

Gene: WNK1 (WNK lysine deficient protein kinase 1; plus strand). Cytogenetic location: 12p13.33.
Variant type: single nucleotide variant.
Coding change: c.1232G>A on transcript NM_018979.4 (MANE Select); coding-DNA position 1232, G replaced by A.
Protein change: p.Cys411Tyr; replaces cysteine 411 with tyrosine.
Molecular consequence: missense variant.
Genome position (GRCh38, 1-based): chr12:830,081, G>A. VCF-style: chr12-830081-G-A. GRCh37 (hg19) VCF-style: chr12-939247-G-A.
Other names: c.1232G>A, p.Cys411Tyr (NM_001184985.2, NM_014823.3, NM_213655.5); short protein forms C411Y.
Identifiers: ClinVar variation 658699 (VCV000658699.8), dbSNP rs1591901128, ClinGen allele CA383329294.
Genomic context (GRCh38, chr12:830,081, plus strand): 5'-CCCCTGAGATGTATGAGGAGAAATATGATGAATCCGTTGACGTTTATGCTTTTGGGATGT[G>A]CATGCTTGAGATGGCTACATCTGAATATCCTTACTCGGAGTGCCAAAATGCTGCACAGAT-3'
Protein context (NP_061852.3, residues 401-421): ESVDVYAFGM[Cys411Tyr]MLEMATSEYP